The following is an entry in ClinVar:

ClinVar aggregate classification (germline): Likely benign. Review status: criteria provided, multiple submitters, no conflicts (2 of 4 stars). 3 submissions from 3 submitters: Likely benign (2). 1 of the submissions does not count toward it. Last evaluated 2024-11-28.

Conditions:
CACNA1A-related disorder. Also called: CACNA1A-related condition.

Submissions (3):

Blueprint Genetics
Classification: Likely benign. Last evaluated: 2024-11-28. Review status: criteria provided, single submitter. Criteria: ACMG Guidelines, 2015. Collection method: clinical testing. Allele origin: germline.

CeGaT Center for Human Genetics Tuebingen
Classification: Likely benign. Last evaluated: 2023-08-01. Review status: criteria provided, single submitter. Criteria: CeGaT Center For Human Genetics Tuebingen Variant Classification Criteria Version 2. Collection method: clinical testing. Allele origin: germline. Affected: yes. Observed: 1 variant allele.
Comment: CACNA1A: PM4, BS1, BS2

PreventionGenetics, part of Exact Sciences
Classification: Benign for CACNA1A-related condition. Last evaluated: 2019-09-30. Review status: no assertion criteria provided. Collection method: clinical testing. Allele origin: germline. Not counted in ClinVar's aggregate classification.
Comment: This variant is classified as benign based on ACMG/AMP sequence variant interpretation guidelines (Richards et al. 2015 PMID: 25741868, with internal and published modifications).

NM_001127222.2(CACNA1A):c.6937CAG[10] (p.Gln2323_Gln2325del)

Genes: CACNA1A (calcium voltage-gated channel subunit alpha1 A; minus strand), LOC108663985 (calcium voltage-gated channel subunit alpha1 A repeat instability region; plus strand). Cytogenetic location: 19p13.13.
Variant type: Microsatellite.
Coding change: c.6937CAG[10] on transcript NM_001127222.2 (MANE Select); ten copies in a row of the 3-base unit CAG starting at c.6937; the reference has 13 copies in a row; three copies, 9 bases deleted.
Protein change: p.Gln2323_Gln2325del.
Molecular consequence: inframe deletion. On other transcripts: 3 prime UTR variant (3).
Genome position (GRCh38, 1-based): chr19:13,207,859-13,207,867, CTGCTGCTG deleted on the plus strand (CAGCAGCAG on the coding strand, the reverse complement: CACNA1A is on the minus strand); deleting any 9 consecutive bases within chr19:13,207,859-13,207,898 gives the same sequence; the position shown is the placement nearest the transcript's 3' end. VCF-style (leftmost placement, unchanged base first): chr19-13207858-CCTGCTGCTG-C. GRCh37 (hg19) VCF-style: chr19-13318672-CCTGCTGCTG-C.
Other names: c.6967_6975del9 (NM_001127222.1); c.*149CAG[10] (NM_000068.4, NM_001127221.2, NM_001174080.2); c.6955CAG[10], p.Gln2329_Gln2331del (NM_023035.3).
Identifiers: ClinVar variation 2578818 (VCV002578818.26), dbSNP rs16054, ClinGen allele CA9239231.
Genomic context (GRCh38, chr19:13,207,858, plus strand): 5'-CCGTGGGGCCTGGGTACCTCCGAGGGCCGCTGGTGGCCGCCCGGCCCGGCCTGGCCACCG[CCTGCTGCTG>C]CTGCTGCTGCTGCTGCTGCTGCTGCTGCTGCGGGGGCCCCGAGCCGCCGGCCTTACGGAT-3'